The following is an entry in ClinVar:

ClinVar aggregate classification (germline): Pathogenic/Likely pathogenic. Review status: criteria provided, multiple submitters, no conflicts (2 of 4 stars). 3 submissions from 3 submitters: Pathogenic (1); Likely pathogenic (1). 1 of the submissions does not count toward it. Last evaluated 2024-11-27.

Conditions:
PCNT-related disorder. Also called: PCNT-related condition.
Microcephalic osteodysplastic primordial dwarfism type II (MOPD2). Also called: Microcephalic osteodysplastic primordial dwarfism with tooth abnormalities; MOPD II; OSTEODYSPLASTIC PRIMORDIAL DWARFISM, TYPE II. Identifiers: Orphanet 2637, MedGen C0432246, MONDO:0008872, OMIM 210720.

Submissions (3):

Labcorp Genetics (formerly Invitae), Labcorp
Classification: Pathogenic. Last evaluated: 2024-11-27. Review status: criteria provided, single submitter. Criteria: Invitae Variant Classification Sherloc (09022015). Collection method: clinical testing. Allele origin: germline.
Comment: This sequence change creates a premature translational stop signal (p.Glu3290Aspfs*3) in the PCNT gene. It is expected to result in an absent or disrupted protein product. Loss-of-function variants in PCNT are known to be pathogenic (PMID: 18174396, 22821869). This variant is present in population databases (rs766205107, gnomAD 0.007%). This variant has not been reported in the literature in individuals affected with PCNT-related conditions. ClinVar contains an entry for this variant (Variation ID: 2963720). For these reasons, this variant has been classified as Pathogenic.

Fulgent Genetics
Classification: Likely pathogenic for Microcephalic osteodysplastic primordial dwarfism type II. Last evaluated: 2024-05-07. Review status: criteria provided, single submitter. Criteria: ACMG Guidelines, 2015. Collection method: clinical testing. Allele origin: germline.

PreventionGenetics, part of Exact Sciences
Classification: Uncertain significance for PCNT-related condition. Last evaluated: 2024-02-26. Review status: no assertion criteria provided. Collection method: clinical testing. Allele origin: germline. Not counted in ClinVar's aggregate classification.
Comment: The PCNT c.9870_9873delAAGA variant is predicted to result in a frameshift and premature protein termination (p.Glu3290Aspfs*3). To our knowledge, this variant has not been reported in the literature. While other chain-terminating variants have been reported in association with disease in the PCNT gene, no premature protein termination variants have been reported 3’ of this variant (Human Gene Mutation Database). This variant is reported in 0.0062% of alleles in individuals of African descent in gnomAD. Although we suspect that this variant may be pathogenic, at this time, the clinical significance of this variant is uncertain due to the absence of conclusive functional and genetic evidence.

Literature cited by the submitters: PubMed 18174396 (cited by Labcorp Genetics (formerly Invitae), Labcorp); PubMed 22821869 (cited by Labcorp Genetics (formerly Invitae), Labcorp).

NM_006031.6(PCNT):c.9870_9873del (p.Glu3290fs)

Gene: PCNT (pericentrin; plus strand). Cytogenetic location: 21q22.3.
Variant type: Deletion.
Coding change: c.9870_9873del on transcript NM_006031.6 (MANE Select); coding-DNA positions 9870 to 9873, 4 bases deleted (AAGA; older notation c.9870_9873delAAGA).
Protein change: p.Glu3290fs; shifts the reading frame from glutamic acid 3290.
Molecular consequence: frameshift variant.
Genome position (GRCh38, 1-based): chr21:46,444,724-46,444,727, AAGA deleted; deleting any 4 consecutive bases within chr21:46,444,721-46,444,727 gives the same sequence; the c. name uses the placement nearest the transcript's 3' end. VCF-style (leftmost placement, unchanged base first): chr21-46444720-TAGAA-T. GRCh37 (hg19) VCF-style: chr21-47864633-TAGAA-T.
Other names: c.9870_9873delAAGA (NM_006031.5); c.9279_9282del, p.Glu3093fs (NM_001315529.2); short protein forms E3093fs, E3290fs.
Identifiers: ClinVar variation 2963720 (VCV002963720.5), dbSNP rs766205107, ClinGen allele CA10081536.